The following is an entry in ClinVar:

ClinVar aggregate classification (germline): Uncertain significance (1 of 4 stars; one submission).

Submission:

GeneDx
Classification: Uncertain significance. Last evaluated: 2022-02-28. Review status: criteria provided, single submitter. Criteria: GeneDx Variant Classification Process June 2021. Collection method: clinical testing. Allele origin: germline. Affected: yes.
Comment: Not observed at significant frequency in large population cohorts (gnomAD); In silico analysis supports that this missense variant does not alter protein structure/function; Has not been previously published as pathogenic or benign to our knowledge

NM_001292063.2(OTOG):c.1200G>C (p.Gln400His)

Gene: OTOG (otogelin; plus strand). Cytogenetic location: 11p15.1.
Variant type: single nucleotide variant.
Coding change: c.1200G>C on transcript NM_001292063.2 (MANE Select); coding-DNA position 1200, G replaced by C.
Protein change: p.Gln400His; replaces glutamine 400 with histidine.
Molecular consequence: missense variant.
Genome position (GRCh38, 1-based): chr11:17,559,148, G>C. VCF-style: chr11-17559148-G-C. GRCh37 (hg19) VCF-style: chr11-17580695-G-C.
Other names: c.1236G>C, p.Gln412His (NM_001277269.2); short protein forms Q400H, Q412H.
Identifiers: ClinVar variation 1704189 (VCV001704189.2), dbSNP rs2497383610, ClinGen allele CA379816446.